The following is an entry in ClinVar:

ClinVar aggregate classification (germline): Uncertain significance (1 of 4 stars; one submission).

Conditions:
Hereditary sensory and autonomic neuropathy type 6. Also called: HSAN VI; Neuropathy, hereditary sensory and autonomic, type VI. Identifiers: Orphanet 314381, MedGen C3539003, MONDO:0013839, OMIM 614653.
Epidermolysis bullosa simplex 3, localized or generalized intermediate, with BP230 deficiency (EBS3). Also called: Epidermolysis bullosa simplex, autosomal recessive 2; Epidermolysis bullosa simplex due to BP230 deficiency. Identifiers: Orphanet 412181, MedGen C3809470, MONDO:0014180, OMIM 615425.

Submission:

Labcorp Genetics (formerly Invitae), Labcorp
Classification: Uncertain significance for Epidermolysis bullosa simplex 3, localized or generalized intermediate, with BP230 deficiency; Hereditary sensory and autonomic neuropathy type 6. Last evaluated: 2022-11-26. Review status: criteria provided, single submitter. Criteria: Invitae Variant Classification Sherloc (09022015). Collection method: clinical testing. Allele origin: germline.
Comment: This variant has not been reported in the literature in individuals affected with DST-related conditions. The DST gene has multiple clinically relevant transcripts. This variant occurs in alternate transcript NM_015548.4, and corresponds to NM_001723.5:c.*86686C>G in the primary transcript. This sequence change falls in intron 48 of the DST gene. It does not directly change the encoded amino acid sequence of the DST protein. This variant is not present in population databases (gnomAD no frequency). Experimental studies and prediction algorithms are not available or were not evaluated, and the effect of this variant on mRNA splicing is currently unknown. In summary, the available evidence is currently insufficient to determine the role of this variant in disease. Therefore, it has been classified as a Variant of Uncertain Significance.

NM_001374736.1(DST):c.17680+10C>G

Gene: DST (dystonin; minus strand). Cytogenetic location: 6p12.1.
Variant type: single nucleotide variant.
Coding change: c.17680+10C>G on transcript NM_001374736.1 (MANE Select); 10 bases into the intron after coding-DNA position 17680, C replaced by G.
Molecular consequence: intron variant.
Genome position (GRCh38, 1-based): chr6:56,528,831, G>C on the plus strand (C>G on the coding strand, the complement: DST is on the minus strand). VCF-style: chr6-56528831-G-C. GRCh37 (hg19) VCF-style: chr6-56393629-G-C.
Other names: c.11323+10C>G (NM_001144769.5); c.17680+10C>G (NM_001374722.1); c.17707+10C>G (NM_001374734.1); c.10909+10C>G (NM_001144770.2); c.10462+10C>G (NM_001374730.1); c.10789+10C>G (NM_001386100.1, NM_183380.4); c.16720+10C>G (NM_001374729.1); c.9811+10C>G (NM_015548.5).
Identifiers: ClinVar variation 2937963 (VCV002937963.3), dbSNP rs2534813360, ClinGen allele CA2740091372.